The following is an entry in ClinVar:

ClinVar aggregate classification (germline): Uncertain significance (1 of 4 stars; one submission).

Conditions:
Alzheimer disease. Also called: Alzheimer's disease; Presenile and senile dementia. Identifiers: Orphanet 1020, MedGen C0002395, MeSH D000544, MONDO:0004975, HP:0002511.

Allele frequency attached by ClinVar (database versions not stated): ExAC 0.00001; TOPMed 0.00002; gnomAD 0.00003; gnomAD exomes 0.00007.
gnomAD v4.1: 102 of 1,613,898 alleles (0.0063%); highest among the groups gnomAD compares: Non-Finnish European, 0.0083%; no homozygotes.

Submission:

Labcorp Genetics (formerly Invitae), Labcorp
Classification: Uncertain significance for Alzheimer disease. Last evaluated: 2022-03-10. Review status: criteria provided, single submitter. Criteria: Invitae Variant Classification Sherloc (09022015). Collection method: clinical testing. Allele origin: germline.
Comment: Algorithms developed to predict the effect of missense changes on protein structure and function are either unavailable or do not agree on the potential impact of this missense change (SIFT: "Tolerated"; PolyPhen-2: "Probably Damaging"; Align-GVGD: "Class C0"). In summary, the available evidence is currently insufficient to determine the role of this variant in disease. Therefore, it has been classified as a Variant of Uncertain Significance. Experimental studies have shown that this missense change does not substantially affect APP function (PMID: 32087291). This missense change has been observed in individual(s) with late-onset Alzheimer disease (PMID: 25104557). This variant is present in population databases (rs779792929, gnomAD 0.007%). This sequence change replaces tyrosine, which is neutral and polar, with histidine, which is basic and polar, at codon 538 of the APP protein (p.Tyr538His).

Literature cited by the submitters: PubMed 32087291; PubMed 25104557.

NM_000484.4(APP):c.1612T>C (p.Tyr538His)

Genes: APP (amyloid beta precursor protein; minus strand), LOC126653330 (CDK7 strongly-dependent group 2 enhancer GRCh37_chr21:27326978-27328177; plus strand). Cytogenetic location: 21q21.3.
Variant type: single nucleotide variant.
Coding change: c.1612T>C on transcript NM_000484.4 (MANE Select); coding-DNA position 1612, T replaced by C.
Protein change: p.Tyr538His; replaces tyrosine 538 with histidine.
Molecular consequence: missense variant.
Genome position (GRCh38, 1-based): chr21:25,954,665, A>G on the plus strand (T>C on the coding strand, the complement: APP is on the minus strand). VCF-style: chr21-25954665-A-G. GRCh37 (hg19) VCF-style: chr21-27326979-A-G.
Other names: c.1540T>C, p.Tyr514His (NM_001136016.3); c.1219T>C, p.Tyr407His (NM_001136129.3); c.1444T>C, p.Tyr482His (NM_001136130.3, NM_001385253.1); c.1282T>C, p.Tyr428His (NM_001136131.3); c.1612T>C, p.Tyr538His (NM_001204301.2); c.1555T>C, p.Tyr519His (NM_001204302.2, NM_201413.3); c.1387T>C, p.Tyr463His (NM_001204303.2, NM_201414.3); short protein forms Y428H, Y463H, Y514H, Y519H, Y538H, Y407H, Y482H.
Identifiers: ClinVar variation 2083582 (VCV002083582.4), dbSNP rs779792929, ClinGen allele CA9987250.